The following is an entry in ClinVar:

NM_000334.4(SCN4A):c.2697G>A (p.Leu899=)

Genes: GH-LCR (growth hormone locus control region; plus strand), SCN4A (sodium voltage-gated channel alpha subunit 4; minus strand). Cytogenetic location: 17q23.3.
Variant type: single nucleotide variant.
Coding change: c.2697G>A on transcript NM_000334.4 (MANE Select); coding-DNA position 2697, G replaced by A.
Protein change: p.Leu899=; no amino-acid change (leucine 899 retained).
Molecular consequence: synonymous variant.
Genome position (GRCh38, 1-based): chr17:63,951,580, C>T on the plus strand (G>A on the coding strand, the complement: SCN4A is on the minus strand). VCF-style: chr17-63951580-C-T. GRCh37 (hg19) VCF-style: chr17-62028940-C-T.
Identifiers: ClinVar variation 324528 (VCV000324528.60), dbSNP rs199827271, ClinGen allele CA8709521.

ClinVar aggregate classification (germline): Benign/Likely benign. Review status: criteria provided, multiple submitters, no conflicts (2 of 4 stars). 9 submissions from 5 submitters: Benign (1); Likely benign (8). Last evaluated 2026-09-01.

Conditions:
Congenital myasthenic syndrome 16. Identifiers: Orphanet 590, MedGen C3280112, MONDO:0013620, OMIM 614198.
Paramyotonia congenita of Von Eulenburg. Also called: Paramyotonia Congenita; PARALYSIS PERIODICA PARAMYOTONICA; Eulenburg disease; Myotonia congenita intermittens; Von Eulenburg paramyotonia congenita. Identifiers: Orphanet 684, MedGen C0221055, MONDO:0008195, OMIM 168300. Disease mechanism: loss of function.
Potassium-aggravated myotonia. Also called: Myotonia congenita, atypical, acetazolamide-responsive; MYOTONIA CONGENITA, ACETAZOLAMIDE-RESPONSIVE; MYOTONIA CONGENITA, ATYPICAL; SODIUM CHANNEL MUSCLE DISEASE. Identifiers: Orphanet 612, Orphanet 99734, Orphanet 99735, Orphanet 99736, MedGen C2931826, MONDO:0018959, OMIM 608390.
Hypokalemic periodic paralysis, type 2 (HOKPP2). Identifiers: Orphanet 681, MedGen C2750061, MONDO:0013234, OMIM 613345.
Hyperkalemic periodic paralysis. Also called: Familial hyperkalemic periodic paralysis; Gamstorp disease. Identifiers: Orphanet 682, MedGen C0238357, MONDO:0008224, OMIM 170500, HP:0007215.

Allele frequency attached by ClinVar (database versions not stated): 1000 Genomes Project 0.00020; gnomAD 0.00044; gnomAD exomes 0.00049; 1000 Genomes Project 30x 0.00016; TOPMed 0.00048; ExAC 0.00053; ESP Exome Variant Server 0.00048.
gnomAD v4.1: 763 of 1,613,952 alleles (0.047%); highest among the groups gnomAD compares: Non-Finnish European, 0.061%; 1 homozygote.

Submissions (9):

CeGaT Center for Human Genetics Tuebingen
Classification: Likely benign. Last evaluated: 2026-09-01. Review status: criteria provided, single submitter. Criteria: CeGaT Center For Human Genetics Tuebingen Variant Classification Criteria Version 2. Collection method: clinical testing. Allele origin: germline. Affected: yes. Observed: 8 variant alleles.
Comment: SCN4A: BP4, BP7

Labcorp Genetics (formerly Invitae), Labcorp
Classification: Likely benign for Hyperkalemic periodic paralysis. Last evaluated: 2026-01-28. Review status: criteria provided, single submitter. Criteria: Invitae Variant Classification Sherloc (09022015). Collection method: clinical testing. Allele origin: germline.

Athena Diagnostics
Classification: Benign. Last evaluated: 2024-10-24. Review status: criteria provided, single submitter. Criteria: Athena Diagnostics Criteria. Collection method: clinical testing. Allele origin: unknown.

GeneDx
Classification: Likely benign. Last evaluated: 2020-12-04. Review status: criteria provided, single submitter. Criteria: GeneDx Variant Classification Process June 2021. Collection method: clinical testing. Allele origin: germline. Affected: yes.

Illumina Laboratory Services, Illumina
Classification: Likely benign for Paramyotonia congenita of Von Eulenburg. Last evaluated: 2017-04-27. Review status: criteria provided, single submitter. Criteria: ICSL Variant Classification Criteria 13 December 2019. Collection method: clinical testing. Allele origin: germline.
Comment: This variant was observed as part of a predisposition screen in an ostensibly healthy population. A literature search was performed for the gene, cDNA change, and amino acid change (where applicable). No publications were found based on this search. Allele frequency data from public databases allowed determination this variant is unlikely to cause disease. Therefore, this variant is classified as likely benign.

Illumina Laboratory Services, Illumina
Classification: Likely benign for Congenital myasthenic syndrome 16. Last evaluated: 2017-04-27. Review status: criteria provided, single submitter. Criteria: ICSL Variant Classification Criteria 13 December 2019. Collection method: clinical testing. Allele origin: germline.
Comment: This variant was observed as part of a predisposition screen in an ostensibly healthy population. A literature search was performed for the gene, cDNA change, and amino acid change (where applicable). Publications were found based on this search. The evidence from the literature, in combination with allele frequency data from public databases where available, was sufficient to determine this variant is unlikely to cause disease. Therefore, this variant is classified as likely benign.

Illumina Laboratory Services, Illumina
Classification: Likely benign for Hyperkalemic periodic paralysis. Last evaluated: 2017-04-27. Review status: criteria provided, single submitter. Criteria: ICSL Variant Classification Criteria 13 December 2019. Collection method: clinical testing. Allele origin: germline.
Comment: the same text as in the submission from Illumina Laboratory Services, Illumina above.

Illumina Laboratory Services, Illumina
Classification: Likely benign for Hypokalemic periodic paralysis, type 2. Last evaluated: 2017-04-27. Review status: criteria provided, single submitter. Criteria: ICSL Variant Classification Criteria 13 December 2019. Collection method: clinical testing. Allele origin: germline.
Comment: the same text as in the submission from Illumina Laboratory Services, Illumina above.

Illumina Laboratory Services, Illumina
Classification: Likely benign for Potassium-aggravated myotonia. Last evaluated: 2017-04-27. Review status: criteria provided, single submitter. Criteria: ICSL Variant Classification Criteria 13 December 2019. Collection method: clinical testing. Allele origin: germline.
Comment: the same text as in the submission from Illumina Laboratory Services, Illumina above.

Literature cited by the submitters: PubMed 20681998 (cited by Athena Diagnostics and Illumina Laboratory Services, Illumina).